The following is an entry in ClinVar:

ClinVar aggregate classification (germline): Uncertain significance (1 of 4 stars; one submission).

Conditions:
Primary ciliary dyskinesia. Also called: Ciliary dyskinesia. Identifiers: Orphanet 244, MedGen C0008780, MONDO:0016575, HP:0012265.

Allele frequency attached by ClinVar (database versions not stated): gnomAD exomes 0.00003 and 0.00006; TOPMed 0.00005; gnomAD 0.00007; ExAC 0.00008.
gnomAD v4.1: 54 of 1,613,702 alleles (0.0033%); highest among the groups gnomAD compares: Middle Eastern, 0.016%; no homozygotes.

Submission:

Labcorp Genetics (formerly Invitae), Labcorp
Classification: Uncertain significance for Primary ciliary dyskinesia. Last evaluated: 2022-03-01. Review status: criteria provided, single submitter. Criteria: Invitae Variant Classification Sherloc (09022015). Collection method: clinical testing. Allele origin: germline.
Comment: This sequence change replaces valine, which is neutral and non-polar, with methionine, which is neutral and non-polar, at codon 1161 of the DNAH8 protein (p.Val1161Met). This variant is present in population databases (rs201712851, gnomAD 0.1%). This variant has not been reported in the literature in individuals affected with DNAH8-related conditions. Algorithms developed to predict the effect of missense changes on protein structure and function output the following: SIFT: "Tolerated"; PolyPhen-2: "Not Available"; Align-GVGD: "Class C0". The methionine amino acid residue is found in multiple mammalian species, which suggests that this missense change does not adversely affect protein function. In summary, the available evidence is currently insufficient to determine the role of this variant in disease. Therefore, it has been classified as a Variant of Uncertain Significance.

NM_001206927.2(DNAH8):c.3481G>A (p.Val1161Met)

Gene: DNAH8 (dynein axonemal heavy chain 8; plus strand). Cytogenetic location: 6p21.2.
Variant type: single nucleotide variant.
Coding change: c.3481G>A on transcript NM_001206927.2 (MANE Select); coding-DNA position 3481, G replaced by A.
Protein change: p.Val1161Met; replaces valine 1161 with methionine.
Molecular consequence: missense variant.
Genome position (GRCh38, 1-based): chr6:38,815,615, G>A. VCF-style: chr6-38815615-G-A. GRCh37 (hg19) VCF-style: chr6-38783391-G-A.
Other names: c.2830G>A, p.Val944Met (NM_001371.4); short protein forms V944M, V1161M.
Identifiers: ClinVar variation 1491721 (VCV001491721.5), dbSNP rs201712851, ClinGen allele CA3788852.
Genomic context (GRCh38, chr6:38,815,615, plus strand): 5'-TGGGGGCAACAGCAAATCCGTCCCATCAAGTCTGTCATTCCCAGCCCCACCACTACTGAC[G>A]TGACCCATCAAAACACAGGAAAACTGCTGAAGAAGGAAGAAAGTAAGAATGTAAAATTAG-3'
Protein context (NP_001193856.1, residues 1151-1171): SVIPSPTTTD[Val1161Met]THQNTGKLLK